The following is an entry in ClinVar:

NM_017617.5(NOTCH1):c.2587+1G>T

Gene: NOTCH1 (notch receptor 1; minus strand). Cytogenetic location: 9q34.3.
Variant type: single nucleotide variant.
Coding change: c.2587+1G>T on transcript NM_017617.5 (MANE Select); the canonical splice donor site of the intron after coding-DNA position 2587, G replaced by T.
Molecular consequence: splice donor variant.
Genome position (GRCh38, 1-based): chr9:136,511,151, C>A on the plus strand (G>T on the coding strand, the complement: NOTCH1 is on the minus strand). VCF-style: chr9-136511151-C-A. GRCh37 (hg19) VCF-style: chr9-139405603-C-A.
Identifiers: ClinVar variation 2699759 (VCV002699759.3), dbSNP rs1843175014, ClinGen allele CA375555116.
Genomic context (GRCh38, chr9:136,511,151, plus strand): 5'-TGTGTCCCGCAGACATCCTGACCTCCCATCCCAGCCCTCACCGGGCCCTGGCCAGCCTCA[C>A]CTTGCCAGCCCGTGGGGCAGACACAGGAGAAGCTCTCATAGTCCTCGGATTGCCTGCACT-3'

ClinVar aggregate classification (germline): Likely pathogenic (1 of 4 stars; one submission).

Conditions:
Adams-Oliver syndrome 5 (AOS5). Identifiers: Orphanet 974, MedGen C4014970, MONDO:0014459, OMIM 616028.

Submission:

Labcorp Genetics (formerly Invitae), Labcorp
Classification: Likely pathogenic for Adams-Oliver syndrome 5. Last evaluated: 2023-12-05. Review status: criteria provided, single submitter. Criteria: Invitae Variant Classification Sherloc (09022015). Collection method: clinical testing. Allele origin: germline.
Comment: This sequence change affects a donor splice site in intron 16 of the NOTCH1 gene. It is expected to disrupt RNA splicing. Variants that disrupt the donor or acceptor splice site typically lead to a loss of protein function (PMID: 16199547), and loss-of-function variants in NOTCH1 are known to be pathogenic (PMID: 16025100, 21457232, 25132448, 25963545). This variant is not present in population databases (gnomAD no frequency). This variant has not been reported in the literature in individuals affected with NOTCH1-related conditions. Algorithms developed to predict the effect of sequence changes on RNA splicing suggest that this variant may disrupt the consensus splice site. In summary, the currently available evidence indicates that the variant is pathogenic, but additional data are needed to prove that conclusively. Therefore, this variant has been classified as Likely Pathogenic.

Literature cited by the submitters: PubMed 16199547; PubMed 16025100; PubMed 21457232; PubMed 25132448; PubMed 25963545.